The following is an entry in ClinVar:

ClinVar aggregate classification (germline): Pathogenic (1 of 4 stars; one submission).

Allele frequency attached by ClinVar (database versions not stated): gnomAD exomes below 0.00001.
gnomAD v4.1: 1 of 1,589,744 alleles (0.000063%); highest among the groups gnomAD compares: Non-Finnish European, 0.000085%; no homozygotes.

Submission:

Labcorp Genetics (formerly Invitae), Labcorp
Classification: Pathogenic. Last evaluated: 2023-01-24. Review status: criteria provided, single submitter. Criteria: Invitae Variant Classification Sherloc (09022015). Collection method: clinical testing. Allele origin: germline.
Comment: This sequence change creates a premature translational stop signal (p.Trp960*) in the CEP152 gene. It is expected to result in an absent or disrupted protein product. Loss-of-function variants in CEP152 are known to be pathogenic (PMID: 21131973). This variant is not present in population databases (gnomAD no frequency). This variant has not been reported in the literature in individuals affected with CEP152-related conditions. For these reasons, this variant has been classified as Pathogenic.

Literature cited by the submitters: PubMed 21131973.

NM_001194998.2(CEP152):c.2880G>A (p.Trp960Ter)

Gene: CEP152 (centrosomal protein 152; minus strand). Cytogenetic location: 15q21.1.
Variant type: single nucleotide variant.
Coding change: c.2880G>A on transcript NM_001194998.2 (MANE Select); coding-DNA position 2880, G replaced by A.
Protein change: p.Trp960Ter; replaces tryptophan 960 with a stop codon.
Molecular consequence: nonsense.
Genome position (GRCh38, 1-based): chr15:48,756,368, C>T on the plus strand (G>A on the coding strand, the complement: CEP152 is on the minus strand). VCF-style: chr15-48756368-C-T. GRCh37 (hg19) VCF-style: chr15-49048565-C-T.
Other names: c.2880G>A, p.Trp960Ter (NM_014985.4); short protein forms W960*.
Identifiers: ClinVar variation 2831470 (VCV002831470.3), dbSNP rs2504607374, ClinGen allele CA392343229.
Genomic context (GRCh38, chr15:48,756,368, plus strand): 5'-CCGGTAATCTTGCTCATTTTGTTCTTGGATTCTGTGGATTTCTTCTTGCTTTTCTTTGTT[C>T]CATTCACTCCGAGCCTTAGCTAACTCAGCCCTGATGACCACAGGGACTTCTTCGTTCTTT-3'